The following is an entry in ClinVar:

NM_005902.4(SMAD3):c.610T>C (p.Ser204Pro)

Gene: SMAD3 (SMAD family member 3; plus strand). Cytogenetic location: 15q22.33.
Variant type: single nucleotide variant.
Coding change: c.610T>C on transcript NM_005902.4 (MANE Select); coding-DNA position 610, T replaced by C.
Protein change: p.Ser204Pro; replaces serine 204 with proline.
Molecular consequence: missense variant.
Genome position (GRCh38, 1-based): chr15:67,170,556, T>C. VCF-style: chr15-67170556-T-C. GRCh37 (hg19) VCF-style: chr15-67462894-T-C.
Other names: c.295T>C, p.Ser99Pro (NM_001145102.2, NM_001407016.1); c.478T>C, p.Ser160Pro (NM_001145103.2, NM_001407012.1); c.25T>C, p.Ser9Pro (NM_001145104.2, NM_001407017.1); c.610T>C, p.Ser204Pro (NM_001407011.1, NM_001407013.1); c.463T>C, p.Ser155Pro (NM_001407014.1); c.163T>C, p.Ser55Pro (NM_001407015.1); short protein forms S155P, S160P, S204P, S55P, S99P, S9P.
Identifiers: ClinVar variation 4801705 (VCV004801705.1).
Genomic context (GRCh38, chr15:67,170,556, plus strand): 5'-CTTGGCTCTCCAGGCCAAGAATCTTTTGTGAAGTCTCACAACTTGTCTCACCTCGCAGGT[T>C]CTCCAAACCTATCCCCGAATCCGATGTCCCCAGCACATAATAACTTGGGTGAGTATCTCC-3'
Protein context (NP_005893.1, residues 194-214): HQMNHSMDAG[Ser204Pro]PNLSPNPMSP

ClinVar aggregate classification (germline): Uncertain significance (1 of 4 stars; one submission).

Conditions:
Familial thoracic aortic aneurysm and aortic dissection (TAAD). Also called: Thoracic aortic aneurysms and dissections. Identifiers: Orphanet 91387, MedGen C4707243, MONDO:0019625.

Submission:

Labcorp Genetics (formerly Invitae), Labcorp
Classification: Uncertain significance for Familial thoracic aortic aneurysm and aortic dissection. Last evaluated: 2025-10-27. Review status: criteria provided, single submitter. Criteria: Invitae Variant Classification Sherloc (09022015). Collection method: clinical testing. Allele origin: germline.
Comment: This sequence change replaces serine, which is neutral and polar, with proline, which is neutral and non-polar, at codon 204 of the SMAD3 protein (p.Ser204Pro). This variant is not present in population databases (gnomAD no frequency). This variant has not been reported in the literature in individuals affected with SMAD3-related conditions. An algorithm developed to predict the effect of missense changes on protein structure and function (PolyPhen-2) suggests that this variant is likely to be tolerated. In summary, the available evidence is currently insufficient to determine the role of this variant in disease. Therefore, it has been classified as a Variant of Uncertain Significance.